The following is an entry in ClinVar:

ClinVar aggregate classification (germline): Uncertain significance (1 of 4 stars; one submission).

Conditions:
Cardiovascular phenotype. Identifiers: MedGen CN230736.

Submission:

Ambry Genetics
Classification: Uncertain significance for Cardiovascular phenotype. Last evaluated: 2013-08-16. Review status: criteria provided, single submitter. Criteria: Ambry Autosomal Dominant and X-Linked criteria (10/2015). Collection method: clinical testing. Allele origin: germline. Observed: 1 variant allele.
Comment: The p.M255R variant (also known as c.764T>G) is located in coding exon 6 of the SMAD3 gene. This alteration results from a T to G substitution at nucleotide position 764. The methionine at codon 255 is replaced by arginine, an amino acid with moderately similar properties. This variant was not reported in population-based cohorts in the following databases: Database of Single Nucleotide Polymorphisms (dbSNP), NHLBI Exome Sequencing Project (ESP) and 1000 Genomes Project. Based on protein sequence alignment, this amino acid position is highly conserved through reptiles, but not in lower vertebrate species. In addition, this alteration is predicted to be benign by PolyPhen but deleterious by SIFT in silico analyses. Since supporting evidence is limited at this time, the clinical significance of this variant remains unclear.

NM_005902.4(SMAD3):c.764T>G (p.Met255Arg)

Gene: SMAD3 (SMAD family member 3; plus strand). Cytogenetic location: 15q22.33.
Variant type: single nucleotide variant.
Coding change: c.764T>G on transcript NM_005902.4 (MANE Select); coding-DNA position 764, T replaced by G.
Protein change: p.Met255Arg; replaces methionine 255 with arginine.
Molecular consequence: missense variant.
Genome position (GRCh38, 1-based): chr15:67,181,346, T>G. VCF-style: chr15-67181346-T-G. GRCh37 (hg19) VCF-style: chr15-67473684-T-G.
Other names: c.449T>G, p.Met150Arg (NM_001145102.2); c.632T>G, p.Met211Arg (NM_001145103.2); c.179T>G, p.Met60Arg (NM_001145104.2); short protein forms M255R, M211R, M60R, M150R.
Identifiers: ClinVar variation 263697 (VCV000263697.3), dbSNP rs886038899, ClinGen allele CA10587876.